The following is an entry in ClinVar:

NM_170606.3(KMT2C):c.9159A>T (p.Leu3053=)

Gene: KMT2C (lysine methyltransferase 2C; minus strand). Cytogenetic location: 7q36.1.
Variant type: single nucleotide variant.
Coding change: c.9159A>T on transcript NM_170606.3 (MANE Select); coding-DNA position 9159, A replaced by T.
Protein change: p.Leu3053=; no amino-acid change (leucine 3053 retained).
Molecular consequence: synonymous variant.
Genome position (GRCh38, 1-based): chr7:152,176,294, T>A on the plus strand (A>T on the coding strand, the complement: KMT2C is on the minus strand). VCF-style: chr7-152176294-T-A. GRCh37 (hg19) VCF-style: chr7-151873379-T-A.
Identifiers: ClinVar variation 1130815 (VCV001130815.32), dbSNP rs559730393, ClinGen allele CA4579550.

ClinVar aggregate classification (germline): Likely benign. Review status: criteria provided, multiple submitters, no conflicts (2 of 4 stars). 2 submissions from 2 submitters: Likely benign (2). Last evaluated 2024-02-26.

Allele frequency attached by ClinVar (database versions not stated): gnomAD exomes 0.00004; ExAC 0.00006; 1000 Genomes Project 30x 0.00031; 1000 Genomes Project 0.00040.
gnomAD v4.1: 67 of 1,614,158 alleles (0.0042%); highest among the groups gnomAD compares: African/African-American, 0.024%; no homozygotes.

Submissions (2):

Labcorp Genetics (formerly Invitae), Labcorp
Classification: Likely benign. Last evaluated: 2024-02-26. Review status: criteria provided, single submitter. Criteria: Invitae Variant Classification Sherloc (09022015). Collection method: clinical testing. Allele origin: germline.

CeGaT Center for Human Genetics Tuebingen
Classification: Likely benign. Last evaluated: 2022-08-01. Review status: criteria provided, single submitter. Criteria: CeGaT Center For Human Genetics Tuebingen Variant Classification Criteria Version 2. Collection method: clinical testing. Allele origin: germline. Affected: yes. Observed: 1 variant allele.
Comment: KMT2C: BP4, BP7